The following is an entry in ClinVar:

NM_001145346.2(RBMXL3):c.2031C>T (p.Leu677=)

Genes: LRCH2 (leucine rich repeats and calponin homology domain containing 2; minus strand), RBMXL3 (RBMX like 3; plus strand). Cytogenetic location: Xq23.
Variant type: single nucleotide variant.
Coding change: c.2031C>T on transcript NM_001145346.2 (MANE Select); coding-DNA position 2031, C replaced by T.
Protein change: p.Leu677=; no amino-acid change (leucine 677 retained).
Molecular consequence: synonymous variant. On other transcripts: intron variant (2).
Genome position (GRCh38, 1-based): chrX:115,191,472, C>T. VCF-style: chrX-115191472-C-T. GRCh37 (hg19) VCF-style: chrX-114426035-C-T.
Other names: c.350-3102G>A (NM_001243963.2, NM_020871.4).
Identifiers: ClinVar variation 5038686 (VCV005038686.1).

ClinVar aggregate classification (germline): Likely benign (1 of 4 stars; one submission).

Submission:

CeGaT Center for Human Genetics Tuebingen
Classification: Likely benign. Last evaluated: 2026-08-01. Review status: criteria provided, single submitter. Criteria: CeGaT Center For Human Genetics Tuebingen Variant Classification Criteria Version 2. Collection method: clinical testing. Allele origin: germline. Affected: yes. Observed: 1 variant allele.
Comment: RBMXL3: BP4, BP7